The following is an entry in ClinVar:

NM_000264.5(PTCH1):c.835del (p.Glu279fs)

Gene: PTCH1 (patched 1; minus strand). Cytogenetic location: 9q22.32.
Variant type: Deletion.
Coding change: c.835del on transcript NM_000264.5 (MANE Select); coding-DNA position 835, one base deleted (G; older notation c.835delG).
Protein change: p.Glu279fs; shifts the reading frame from glutamic acid 279.
Molecular consequence: frameshift variant. On other transcripts: non-coding transcript variant (1).
Genome position (GRCh38, 1-based): chr9:95,480,500, C deleted on the plus strand (G on the coding strand, the reverse complement: PTCH1 is on the minus strand); the first of 3 consecutive C bases (chr9:95,480,500-95,480,502); deleting any one gives the same sequence. VCF-style (leftmost placement, unchanged base first): chr9-95480499-TC-T. GRCh37 (hg19) VCF-style: chr9-98242781-TC-T.
Other names: c.382del, p.Glu128fs (NM_001083605.3, NM_001083606.3, NM_001083607.3 and 1 more transcripts); c.835del, p.Glu279fs (NM_001354918.2); c.637del, p.Glu213fs (NM_001083602.3); c.832del, p.Glu278fs (NM_001083603.3); short protein forms E128fs, E213fs, E278fs, E279fs.
Identifiers: ClinVar variation 4531309 (VCV004531309.1).
Genomic context (GRCh38, chr9:95,480,499, plus strand): 5'-GGATTGAGGCAGGGGCGGTCCATGTAACCATGACCAACCTCAGCCTTATTCAGCATTTCC[TC>T]CCAGCTGTCCACTTGATAGTTTATTTTCTTTAACTCTTCCAGGAATTCCAAAGGGTCGAA-3'

ClinVar aggregate classification (germline): Likely pathogenic (1 of 4 stars; one submission).

Conditions:
Basal cell nevus syndrome 1 (BCNS1). Also called: GORLIN-GOLTZ SYNDROME; MULTIPLE BASAL CELL NEVI, ODONTOGENIC KERATOCYSTS, AND SKELETAL ANOMALIES. Identifiers: MedGen CN376810, MONDO:0958174, OMIM 109400.

Submission:

Department of Pediatric Genetics, University of Health Sciences, Ankara Bilkent City Children’s Hospital
Classification: Likely pathogenic for Basal cell nevus syndrome 1. Last evaluated: 2025-11-20. Review status: criteria provided, single submitter. Criteria: ACMG Guidelines, 2015. Collection method: clinical testing. Allele origin: maternal. Affected: yes.
Comment: The c.835del variant in the PTCH1 gene (NM_000264.5) is a frameshift located in exon 6 and has not been previously reported in ClinVar. This variant is predicted to result in loss of function due to a truncated or absent protein (PVS1). The allele frequency of this variant is not reported, and it is absent from population databases such as gnomAD (PM2). In summary, this variant meets the criteria to be classified as likely pathogenic for Basal cell nevus syndrome 1 (OMIM #109400), based on the ACMG guidelines (Richards et al., 2015), with supporting evidence from criteria PVS1, PM2.